The following is an entry in ClinVar:

NM_153704.6(TMEM67):c.2822T>A (p.Ile941Asn)

Gene: TMEM67 (transmembrane protein 67; plus strand). Cytogenetic location: 8q22.1.
Variant type: single nucleotide variant.
Coding change: c.2822T>A on transcript NM_153704.6 (MANE Select); coding-DNA position 2822, T replaced by A.
Protein change: p.Ile941Asn; replaces isoleucine 941 with asparagine.
Molecular consequence: missense variant. On other transcripts: non-coding transcript variant (1).
Genome position (GRCh38, 1-based): chr8:93,815,362, T>A. VCF-style: chr8-93815362-T-A. GRCh37 (hg19) VCF-style: chr8-94827590-T-A.
Other names: c.2579T>A, p.Ile860Asn (NM_001142301.1); short protein forms I860N, I941N.
Identifiers: ClinVar variation 3777090 (VCV003777090.1).

ClinVar aggregate classification (germline): Uncertain significance (1 of 4 stars; one submission).

Conditions:
Nephronophthisis 11 (NPHP11). Identifiers: Orphanet 84081, MedGen C3150796, MONDO:0013302, OMIM 613550.
Meckel syndrome, type 3 (MKS3). Also called: MECKEL-GRUBER SYNDROME, TYPE 3. Identifiers: Orphanet 564, MedGen C1846357, MONDO:0011821, OMIM 607361.
COACH syndrome 1. Identifiers: Orphanet 1454, MedGen C5435651, MONDO:0800103, OMIM 216360, MONDO:0008996.
Joubert syndrome 6 (JBTS6). Identifiers: Orphanet 475, MedGen C1853153, MONDO:0012539, OMIM 610688.

Submission:

University of Washington Department of Laboratory Medicine, University of Washington
Classification: Uncertain significance for Joubert syndrome 6; Meckel syndrome, type 3; Nephronophthisis 11; COACH syndrome 1. Last evaluated: 2021-03-31. Review status: criteria provided, single submitter. Criteria: ACMG Guidelines, 2015. Collection method: clinical testing. Allele origin: unknown. Affected: yes.
Comment: The p.Ile941Asn variant in the TMEM67 gene has not been previously reported in association with disease. The variant was absent from large population databases, including the Genome Aggregation Database. In silico tools predict that the p.Ile941Asn variant is deleterious; however, these predictions have not been tested directly. While the phase of this variant (in cis or in trans) is unknown, the presence of the p.Ile941Asn variant with an established disease-causing variant (p.Cys615Arg) increases suspicion for its pathogenicity. Using ACMG guidelines, this variant was classified as a variant of uncertain significance (ACMG evidence codes used: PM3_supporting, PM2_supporting, PP3).